The following is an entry in ClinVar:

Conditions:
Breast-ovarian cancer, familial, susceptibility to, 1 (BROVCA1). Also called: BRCA1 Hereditary Breast and Ovarian Cancer; OVARIAN CANCER, SUSCEPTIBILITY TO. Identifiers: Orphanet 145, MedGen C2676676, MONDO:0011450, OMIM 604370. Disease mechanism: loss of function.

Submission:

Brotman Baty Institute, University of Washington
No classification provided (evidence only). Condition: Breast-ovarian cancer, familial 1. Review status: no classification provided. Collection method: in vitro. Allele origin: not applicable. Functional consequence: functionally_normal.
ClinVar note: "not provided" was previously submitted as the classification for the variant. However, the classification appeared to be based only on an observation of functional data so it was converted to no classification on 2025-07-30.

NM_007294.4(BRCA1):c.5042C>G (p.Thr1681Ser)

Gene: BRCA1 (BRCA1 DNA repair associated; minus strand). Cytogenetic location: 17q21.31.
Variant type: single nucleotide variant.
Coding change: c.5042C>G on transcript NM_007294.4 (MANE Select); coding-DNA position 5042, C replaced by G.
Protein change: p.Thr1681Ser; replaces threonine 1681 with serine.
Molecular consequence: missense variant. On other transcripts: non-coding transcript variant (1).
Genome position (GRCh38, 1-based): chr17:43,067,640, G>C on the plus strand (C>G on the coding strand, the complement: BRCA1 is on the minus strand). VCF-style: chr17-43067640-G-C. GRCh37 (hg19) VCF-style: chr17-41219657-G-C.
Other names: c.4829C>G, p.Thr1610Ser (NM_001407571.1, NM_001407894.1, NM_001407895.1 and 12 more transcripts); c.5108C>G, p.Thr1703Ser (NM_001407581.1, NM_001407582.1); c.5105C>G, p.Thr1702Ser (NM_001407583.1, NM_001407585.1, NM_001407587.1 and 1 more transcripts); c.5102C>G, p.Thr1701Ser (NM_001407590.1, NM_001407591.1); c.5042C>G, p.Thr1681Ser (NM_001407593.1, NM_001407594.1, NM_001407596.1 and 8 more transcripts); c.5039C>G, p.Thr1680Ser (NM_001407616.1, NM_001407617.1, NM_001407618.1 and 17 more transcripts); c.5036C>G, p.Thr1679Ser (NM_001407635.1, NM_001407636.1, NM_001407637.1 and 14 more transcripts); c.5033C>G, p.Thr1678Ser (NM_001407644.1, NM_001407645.1); and 70 more; short protein forms T1702S, T577S, T1681S, T1634S, T1512S, T1552S, T1569S, T1570S.
Identifiers: ClinVar variation 864873 (VCV000864873.3), dbSNP rs766784305, ClinGen allele CA10591432.